The following is an entry in ClinVar:

NM_006118.4(HAX1):c.482G>A (p.Gly161Asp)

Gene: HAX1 (HCLS1 associated protein X-1; plus strand). Cytogenetic location: 1q21.3.
Variant type: single nucleotide variant.
Coding change: c.482G>A on transcript NM_006118.4 (MANE Select); coding-DNA position 482, G replaced by A.
Protein change: p.Gly161Asp; replaces glycine 161 with aspartic acid.
Molecular consequence: missense variant.
Genome position (GRCh38, 1-based): chr1:154,273,939, G>A. VCF-style: chr1-154273939-G-A. GRCh37 (hg19) VCF-style: chr1-154246415-G-A.
Other names: c.338G>A, p.Gly113Asp (NM_001018837.2); short protein forms G113D, G161D.
Identifiers: ClinVar variation 4621319 (VCV004621319.1).
Genomic context (GRCh38, chr1:154,273,939, plus strand): 5'-TTGGGGGGGTCTTGGAGAGTGATGCAAGAAGTGAATCCCCCCAACCAGCACCAGACTGGG[G>A]CTCCCAGAGGCCATTTCATAGGGTGAGTATCCCATCTGGTCCTGAAGTGAGAGCTTGTGA-3'
Protein context (NP_006109.2, residues 151-171): SESPQPAPDW[Gly161Asp]SQRPFHRFDD

ClinVar aggregate classification (germline): Uncertain significance (1 of 4 stars; one submission).

Conditions:
Inborn genetic diseases. Identifiers: MedGen C0950123, MeSH D030342.

Submission:

Ambry Genetics
Classification: Uncertain significance for Inborn genetic diseases. Last evaluated: 2025-09-17. Review status: criteria provided, single submitter. Criteria: Ambry Variant Classification Scheme 2023. Collection method: clinical testing. Allele origin: germline.
Comment: The p.G161D variant (also known as c.482G>A), located in coding exon 3 of the HAX1 gene, results from a G to A substitution at nucleotide position 482. The glycine at codon 161 is replaced by aspartic acid, an amino acid with similar properties. This amino acid position is conserved. In addition, this alteration is predicted to be tolerated by in silico analysis. Based on the available evidence, the clinical significance of this variant remains unclear.